The following is an entry in ClinVar:

NC_000006.11:g.(?_116441236)_(119252888_?)del

Genes: CALHM6 (calcium homeostasis modulator family member 6; plus strand), CEP85L (centrosomal protein 85L; minus strand), CALHM5 (calcium homeostasis modulator family member 5; plus strand), ASF1A (anti-silencing function 1A histone chaperone; plus strand), CALHM4 (calcium homeostasis modulator family member 4; plus strand) and 21 more. Cytogenetic location: 6q22.1-22.31.
Variant type: Deletion.
Identifiers: ClinVar variation 2427242 (VCV002427242.2).

ClinVar aggregate classification (germline): Pathogenic (1 of 4 stars; one submission).

Conditions:
Congenital disorder of glycosylation, type Iaa. Also called: Congenital disorder of glycosylation, type 1aa. Identifiers: MedGen C4310727, MONDO:0014904, OMIM 617082.

Submission:

Labcorp Genetics (formerly Invitae), Labcorp
Classification: Pathogenic for Congenital disorder of glycosylation, type Iaa. Last evaluated: 2022-09-28. Review status: criteria provided, single submitter. Criteria: Invitae Variant Classification Sherloc (09022015). Collection method: clinical testing. Allele origin: germline.
Comment: A gross deletion of the genomic region encompassing the full coding sequence of the NUS1 gene has been identified. Loss-of-function variants in NUS1 are known to be pathogenic (PMID: 29100083). The boundaries of this event are unknown as they extend beyond the assayed region for this gene and therefore may encompass additional genes. Isolated whole-gene deletions of NUS1 have not been reported in the literature. However, larger copy number events that include this gene have been reported (PMID: 31273557). For these reasons, this variant has been classified as Pathogenic.

Literature cited by the submitters: PubMed 29100083; PubMed 31273557.